The following is an entry in ClinVar:

ClinVar aggregate classification (germline): Uncertain significance (1 of 4 stars; one submission).

Conditions:
Fanconi anemia (FA). Also called: Fanconi's anemia. Identifiers: Orphanet 84, MedGen C0015625, MeSH D005199, MONDO:0019391.

Submission:

Labcorp Genetics (formerly Invitae), Labcorp
Classification: Uncertain significance for Fanconi anemia. Last evaluated: 2022-10-26. Review status: criteria provided, single submitter. Criteria: Invitae Variant Classification Sherloc (09022015). Collection method: clinical testing. Allele origin: germline.
Comment: Algorithms developed to predict the effect of sequence changes on RNA splicing suggest that this variant may disrupt the consensus splice site. This variant has not been reported in the literature in individuals affected with FANCI-related conditions. This variant is not present in population databases (gnomAD no frequency). This sequence change falls in intron 4 of the FANCI gene. It does not directly change the encoded amino acid sequence of the FANCI protein. In summary, the available evidence is currently insufficient to determine the role of this variant in disease. Therefore, it has been classified as a Variant of Uncertain Significance.

NM_001113378.2(FANCI):c.289-18T>C

Gene: FANCI (FA complementation group I; plus strand). Cytogenetic location: 15q26.1.
Variant type: single nucleotide variant.
Coding change: c.289-18T>C on transcript NM_001113378.2 (MANE Select); 18 bases into the intron before coding-DNA position 289, T replaced by C.
Molecular consequence: intron variant.
Genome position (GRCh38, 1-based): chr15:89,261,567, T>C. VCF-style: chr15-89261567-T-C. GRCh37 (hg19) VCF-style: chr15-89804798-T-C.
Other names: c.289-18T>C (NM_018193.3, NM_001376911.1); c.10-18T>C (NM_001376910.1).
Identifiers: ClinVar variation 2036880 (VCV002036880.4), dbSNP rs2505903183, ClinGen allele CA2580090155.